The following is an entry in ClinVar:

ClinVar aggregate classification (germline): Benign (1 of 4 stars; one submission).

Conditions:
Fibrous dysplasia of jaw (CRBM). Also called: Cherubism. Identifiers: Orphanet 184, MedGen C0008029, MONDO:0007315, OMIM 118400.

Allele frequency attached by ClinVar (database versions not stated): gnomAD exomes 0.00090; 1000 Genomes Project 0.00220; 1000 Genomes Project 30x 0.00234; gnomAD 0.00237 and 0.00248; TOPMed 0.00307.
gnomAD v4.1: 1,142 of 986,262 alleles (0.12%); highest among the groups gnomAD compares: Middle Eastern, 0.67%; no homozygotes.

Submission:

Illumina Laboratory Services, Illumina
Classification: Benign for Fibrous dysplasia of jaw. Last evaluated: 2018-01-12. Review status: criteria provided, single submitter. Criteria: ICSL Variant Classification Criteria 13 December 2019. Collection method: clinical testing. Allele origin: germline.
Comment: This variant was observed in the ICSL laboratory as part of a predisposition screen in an ostensibly healthy population. It had not been previously curated by ICSL or reported in the Human Gene Mutation Database (HGMD: prior to June 1st, 2018), and was therefore a candidate for classification through an automated scoring system. Utilizing variant allele frequency, disease prevalence and penetrance estimates, and inheritance mode, an automated score was calculated to assess if this variant is too frequent to cause the disease. Based on the score and internal cut-off values, a variant classified as benign is not then subjected to further curation. The score for this variant resulted in a classification of benign for this disease.

NM_001122681.2(SH3BP2):c.-4-1780A>C

Gene: SH3BP2 (SH3 domain binding protein 2; plus strand). Cytogenetic location: 4p16.3.
Variant type: single nucleotide variant.
Coding change: c.-4-1780A>C on transcript NM_001122681.2 (MANE Select); 1780 bases into the intron before 4 bases upstream of the start codon, A replaced by C.
Molecular consequence: intron variant.
Genome position (GRCh38, 1-based): chr4:2,818,834, A>C. VCF-style: chr4-2818834-A-C. GRCh37 (hg19) VCF-style: chr4-2820561-A-C.
Other names: c.-4-1780A>C (LRG_1334t1); c.81-1780A>C (LRG_1334t2, NM_001145855.2); c.167+444A>C (NM_001145856.2); c.-241A>C (NM_003023.4).
Identifiers: ClinVar variation 348560 (VCV000348560.5), dbSNP rs568447008, ClinGen allele CA10620842.